The following is an entry in ClinVar:

ClinVar aggregate classification (germline): Uncertain significance (1 of 4 stars; one submission).

Conditions:
EAST syndrome (SESAMES). Also called: SEIZURES, SENSORINEURAL DEAFNESS, ATAXIA, IMPAIRED INTELLECTUAL DEVELOPMENT, AND ELECTROLYTE IMBALANCE. Identifiers: Orphanet 199343, MedGen C2748572, MONDO:0013005, OMIM 612780.

gnomAD v4.1: 1 of 1,606,426 alleles (0.000062%); highest among the groups gnomAD compares: Non-Finnish European, 0.000085%; no homozygotes.

Submission:

Labcorp Genetics (formerly Invitae), Labcorp
Classification: Uncertain significance for EAST syndrome. Last evaluated: 2025-03-25. Review status: criteria provided, single submitter. Criteria: Invitae Variant Classification Sherloc (09022015). Collection method: clinical testing. Allele origin: germline.
Comment: This sequence change replaces asparagine, which is neutral and polar, with isoleucine, which is neutral and non-polar, at codon 191 of the KCNJ10 protein (p.Asn191Ile). This variant is not present in population databases (gnomAD no frequency). This variant has not been reported in the literature in individuals affected with KCNJ10-related conditions. Invitae Evidence Modeling of protein sequence and biophysical properties (such as structural, functional, and spatial information, amino acid conservation, physicochemical variation, residue mobility, and thermodynamic stability) has been performed for this missense variant. However, the output from this modeling did not meet the statistical confidence thresholds required to predict the impact of this variant on KCNJ10 protein function. In summary, the available evidence is currently insufficient to determine the role of this variant in disease. Therefore, it has been classified as a Variant of Uncertain Significance.

NM_002241.5(KCNJ10):c.572A>T (p.Asn191Ile)

Gene: KCNJ10 (potassium inwardly rectifying channel subfamily J member 10; minus strand). Cytogenetic location: 1q23.2.
Variant type: single nucleotide variant.
Coding change: c.572A>T on transcript NM_002241.5 (MANE Select); coding-DNA position 572, A replaced by T.
Protein change: p.Asn191Ile; replaces asparagine 191 with isoleucine.
Molecular consequence: missense variant.
Genome position (GRCh38, 1-based): chr1:160,041,961, T>A on the plus strand (A>T on the coding strand, the complement: KCNJ10 is on the minus strand). VCF-style: chr1-160041961-T-A. GRCh37 (hg19) VCF-style: chr1-160011751-T-A.
Other names: short protein forms N191I.
Identifiers: ClinVar variation 4778249 (VCV004778249.1).